The following is an entry in ClinVar:

NM_058216.3(RAD51C):c.71G>T (p.Arg24Leu)

Gene: RAD51C (RAD51 paralog C; plus strand). Cytogenetic location: 17q22.
Variant type: single nucleotide variant.
Coding change: c.71G>T on transcript NM_058216.3 (MANE Select); coding-DNA position 71, G replaced by T.
Protein change: p.Arg24Leu; replaces arginine 24 with leucine.
Molecular consequence: missense variant. On other transcripts: non-coding transcript variant (1).
Genome position (GRCh38, 1-based): chr17:58,692,714, G>T. VCF-style: chr17-58692714-G-T. GRCh37 (hg19) VCF-style: chr17-56770075-G-T.
Other names: c.71G>T, p.Arg24Leu (NM_002876.4); short protein forms R24L.
Identifiers: ClinVar variation 421982 (VCV000421982.6), dbSNP rs777554369, ClinGen allele CA16620488.

ClinVar aggregate classification (germline): Uncertain significance. Review status: criteria provided, multiple submitters, no conflicts (2 of 4 stars). 2 submissions from 2 submitters: Uncertain significance (2). Last evaluated 2023-03-24.

Conditions:
Fanconi anemia complementation group O. Also called: RAD51C-Related Fanconi Anemia. Identifiers: Orphanet 84, MedGen C3150653, MONDO:0013248, OMIM 613390.

Submissions (2):

Labcorp Genetics (formerly Invitae), Labcorp
Classification: Uncertain significance for Fanconi anemia complementation group O. Last evaluated: 2023-03-24. Review status: criteria provided, single submitter. Criteria: Invitae Variant Classification Sherloc (09022015). Collection method: clinical testing. Allele origin: germline.
Comment: This sequence change replaces arginine, which is basic and polar, with leucine, which is neutral and non-polar, at codon 24 of the RAD51C protein (p.Arg24Leu). This variant is present in population databases (no rsID available, gnomAD 0.0009%). This variant has not been reported in the literature in individuals affected with RAD51C-related conditions. ClinVar contains an entry for this variant (Variation ID: 421982). Advanced modeling of protein sequence and biophysical properties (such as structural, functional, and spatial information, amino acid conservation, physicochemical variation, residue mobility, and thermodynamic stability) performed at Invitae indicates that this missense variant is not expected to disrupt RAD51C protein function. In summary, the available evidence is currently insufficient to determine the role of this variant in disease. Therefore, it has been classified as a Variant of Uncertain Significance.

GeneDx
Classification: Uncertain significance. Last evaluated: 2016-08-11. Review status: criteria provided, single submitter. Criteria: GeneDx Variant Classification (06012015). Collection method: clinical testing. Allele origin: germline. Affected: yes.
Comment: This variant is denoted RAD51C c.71G>T at the cDNA level, p.Arg24Leu (R24L) at the protein level, and results in the change of an Arginine to a Leucine (CGG>CTG). This variant has been reported in at least one individual with lung cancer (Lu 2015). RAD51C Arg24Leu was not observed in approximately 6,500 individuals of European and African American ancestry in the NHLBI Exome Sequencing Project, suggesting it is not a common benign variant in these populations. Since Arginine and Leucine differ in polarity, charge, size or other properties, this is considered a non-conservative amino acid substitution. RAD51C Arg24Leu occurs at a position that is not conserved and is located in the region required for Holliday junction resolution activity (Uniprot). In silico analyses are inconsistent regarding the effect this variant may have on protein structure and function. Based on currently available evidence, it is unclear whether RAD51C Arg24Leu is a pathogenic or benign variant. We consider it to be a variant of uncertain significance.